The following is an entry in ClinVar:

ClinVar aggregate classification (germline): Uncertain significance (1 of 4 stars; one submission).

Conditions:
Mitochondrial complex II deficiency, nuclear type 1. Also called: SUCCINATE CoQ REDUCTASE DEFICIENCY. Identifiers: Orphanet 3208, MedGen C5700310, MONDO:0100294, OMIM 252011.
Pheochromocytoma/paraganglioma syndrome 5. Also called: Paragangliomas 5; SDHA-Related Hereditary Paraganglioma-Pheochromocytoma Syndrome. Identifiers: Orphanet 29072, MedGen C3279992, MONDO:0013602, OMIM 614165.

Submission:

Labcorp Genetics (formerly Invitae), Labcorp
Classification: Uncertain significance for Pheochromocytoma/paraganglioma syndrome 5; Mitochondrial complex II deficiency, nuclear type 1. Last evaluated: 2022-12-16. Review status: criteria provided, single submitter. Criteria: Invitae Variant Classification Sherloc (09022015). Collection method: clinical testing. Allele origin: germline.
Comment: Advanced modeling of protein sequence and biophysical properties (such as structural, functional, and spatial information, amino acid conservation, physicochemical variation, residue mobility, and thermodynamic stability) performed at Invitae indicates that this missense variant is not expected to disrupt SDHA protein function. This variant has not been reported in the literature in individuals affected with SDHA-related conditions. This variant is not present in population databases (gnomAD no frequency). This sequence change replaces aspartic acid, which is acidic and polar, with glycine, which is neutral and non-polar, at codon 653 of the SDHA protein (p.Asp653Gly). In summary, the available evidence is currently insufficient to determine the role of this variant in disease. Therefore, it has been classified as a Variant of Uncertain Significance.

NM_004168.4(SDHA):c.1958A>G (p.Asp653Gly)

Gene: SDHA (succinate dehydrogenase complex flavoprotein subunit A; plus strand). Cytogenetic location: 5p15.33.
Variant type: single nucleotide variant.
Coding change: c.1958A>G on transcript NM_004168.4 (MANE Select); coding-DNA position 1958, A replaced by G.
Protein change: p.Asp653Gly; replaces aspartic acid 653 with glycine.
Molecular consequence: missense variant.
Genome position (GRCh38, 1-based): chr5:256,383, A>G. VCF-style: chr5-256383-A-G. GRCh37 (hg19) VCF-style: chr5-256498-A-G.
Other names: c.1814A>G, p.Asp605Gly (NM_001294332.2); c.1715A>G, p.Asp572Gly (NM_001330758.2); short protein forms D572G, D605G, D653G.
Identifiers: ClinVar variation 2942410 (VCV002942410.3), dbSNP rs1737190360, ClinGen allele CA359002973.